The following is an entry in ClinVar:

NM_005560.6(LAMA5):c.6567C>T (p.His2189=)

Gene: LAMA5 (laminin subunit alpha 5; minus strand). Cytogenetic location: 20q13.33.
Variant type: single nucleotide variant.
Coding change: c.6567C>T on transcript NM_005560.6 (MANE Select); coding-DNA position 6567, C replaced by T.
Protein change: p.His2189=; no amino-acid change (histidine 2189 retained).
Molecular consequence: synonymous variant.
Genome position (GRCh38, 1-based): chr20:62,320,820, G>A on the plus strand (C>T on the coding strand, the complement: LAMA5 is on the minus strand). VCF-style: chr20-62320820-G-A. GRCh37 (hg19) VCF-style: chr20-60895876-G-A.
Other names: c.6567C>T (NM_005560.4).
Identifiers: ClinVar variation 1626352 (VCV001626352.11), dbSNP rs199690960, ClinGen allele CA9941670.

ClinVar aggregate classification (germline): Benign/Likely benign. Review status: criteria provided, multiple submitters, no conflicts (2 of 4 stars). 3 submissions from 3 submitters: Benign (1); Likely benign (1). 1 of the submissions does not count toward it. Last evaluated 2025-12-29.

Conditions:
LAMA5-related disorder. Also called: LAMA5-Related Disorders; LAMA5-related condition.

Allele frequency attached by ClinVar (database versions not stated): gnomAD 0.00008; TOPMed 0.00020; 1000 Genomes Project 30x 0.00047.
gnomAD v4.1: 164 of 1,612,676 alleles (0.01%); highest among the groups gnomAD compares: East Asian, 0.2%; 1 homozygote.

Submissions (3):

Labcorp Genetics (formerly Invitae), Labcorp
Classification: Benign. Last evaluated: 2025-12-29. Review status: criteria provided, single submitter. Criteria: Invitae Variant Classification Sherloc (09022015). Collection method: clinical testing. Allele origin: germline.

Blueprint Genetics
Classification: Likely benign. Last evaluated: 2023-10-18. Review status: criteria provided, single submitter. Criteria: ACMG Guidelines, 2015. Collection method: clinical testing. Allele origin: germline.

PreventionGenetics, part of Exact Sciences
Classification: Likely benign for LAMA5-related condition. Last evaluated: 2019-04-01. Review status: no assertion criteria provided. Collection method: clinical testing. Allele origin: germline. Not counted in ClinVar's aggregate classification.
Comment: This variant is classified as likely benign based on ACMG/AMP sequence variant interpretation guidelines (Richards et al. 2015 PMID: 25741868, with internal and published modifications).